The following is an entry in ClinVar:

ClinVar aggregate classification (germline): Uncertain significance (1 of 4 stars; one submission).

Conditions:
Cardiovascular phenotype. Identifiers: MedGen CN230736.

gnomAD v4.1: 1 of 1,614,006 alleles (0.000062%); highest among the groups gnomAD compares: Non-Finnish European, 0.000085%; no homozygotes.

Submission:

Ambry Genetics
Classification: Uncertain significance for Cardiovascular phenotype. Last evaluated: 2026-03-23. Review status: criteria provided, single submitter. Criteria: Ambry Variant Classification Scheme 2023. Collection method: clinical testing. Allele origin: germline.
Comment: The c.484G>A (p.E162K) alteration is located in exon 4 (coding exon 4) of the CASQ2 gene. This alteration results from a G to A substitution at nucleotide position 484, causing the glutamic acid (E) at amino acid position 162 to be replaced by a lysine (K). This variant was not reported in population-based cohorts in the Genome Aggregation Database (gnomAD). This amino acid position is well conserved in available vertebrate species. The in silico prediction for this alteration is inconclusive. Based on insufficient or conflicting evidence, the clinical significance of this alteration remains unclear.

NM_001232.4(CASQ2):c.484G>A (p.Glu162Lys)

Gene: CASQ2 (calsequestrin 2; minus strand). Cytogenetic location: 1p13.1.
Variant type: single nucleotide variant.
Coding change: c.484G>A on transcript NM_001232.4 (MANE Select); coding-DNA position 484, G replaced by A.
Protein change: p.Glu162Lys; replaces glutamic acid 162 with lysine.
Molecular consequence: missense variant.
Genome position (GRCh38, 1-based): chr1:115,738,272, C>T on the plus strand (G>A on the coding strand, the complement: CASQ2 is on the minus strand). VCF-style: chr1-115738272-C-T. GRCh37 (hg19) VCF-style: chr1-116280893-C-T.
Other names: short protein forms E162K.
Identifiers: ClinVar variation 4841209 (VCV004841209.2).